The following is an entry in ClinVar:

NM_207037.2(TCF12):c.791del (p.Ser264fs)

Gene: TCF12 (transcription factor 12; plus strand). Cytogenetic location: 15q21.3.
Variant type: Deletion.
Coding change: c.791del on transcript NM_207037.2 (MANE Select); coding-DNA position 791, one base deleted (G; older notation c.791delG).
Protein change: p.Ser264fs; shifts the reading frame from serine 264.
Molecular consequence: frameshift variant. On other transcripts: intron variant (1).
Genome position (GRCh38, 1-based): chr15:57,232,396, G deleted. VCF-style (leftmost placement, unchanged base first): chr15-57232395-AG-A. GRCh37 (hg19) VCF-style: chr15-57524593-AG-A.
Other names: c.281del, p.Ser94fs (NM_001306219.3, NM_207040.2); c.791del, p.Ser264fs (NM_001322151.2, NM_001322152.2, NM_001322157.3 and 7 more transcripts); c.134del, p.Ser45fs (NM_001322154.2); c.617del, p.Ser206fs (NM_001322156.2, NM_001322158.2); c.827del, p.Ser276fs (NM_001322164.2); c.118-316del (NM_001306220.3); short protein forms S206fs, S264fs, S276fs, S45fs, S94fs.
Identifiers: ClinVar variation 3340445 (VCV003340445.1).
Genomic context (GRCh38, chr15:57,232,395, plus strand): 5'-ATGAGCCAGCCTGGTTTTGGTGGAATTCTGGGGACCTCCACTTCCCACATGTCTCAATCC[AG>A]TAGTTATGGCAACCTTCATTCACATGACCGCTTGGTAGGCTATAACACGTGACTAGGGTA-3'

ClinVar aggregate classification (germline): Pathogenic (1 of 4 stars; one submission).

Conditions:
TCF12-related craniosynostosis. Also called: Craniosynostosis 3. Identifiers: Orphanet 35098, Orphanet 35099, Orphanet 672979, MedGen C3715051, MONDO:0014128, OMIM 615314.

Submission:

Seattle Children's Hospital Molecular Genetics Laboratory, Seattle Children's Hospital
Classification: Pathogenic for TCF12-related craniosynostosis. Review status: criteria provided, single submitter. Criteria: ACMG Guidelines, 2015. Collection method: clinical testing. Allele origin: germline. Affected: yes.
Comment: The p.Ser264Ilefs*12 variant falls within exon 10 of 21 and substitutes the serine at amino acid position 264 with an isoleucine, followed by a frameshift leading to a premature termination codon after 12 amino acids. This variant is predicted to cause loss of function due to a truncated or absent gene product. While this variant appears to be novel, other pathogenic frameshift and nonsense variants in this region of TCF12 have been described in several patients with craniosynostosis, particularly coronal craniosynostosis (PMID: 29215649, 23354436). This alteration is absent from large population studies (Genome Aggregation Database v2.1.1).